The following is an entry in ClinVar:

ClinVar aggregate classification (germline): Uncertain significance (1 of 4 stars; one submission).

Allele frequency attached by ClinVar (database versions not stated): gnomAD exomes 0.00001; TOPMed 0.00001.
gnomAD v4.1: 4 of 1,549,790 alleles (0.00026%); highest among the groups gnomAD compares: Admixed American, 0.0059%; no homozygotes.

Submission:

Labcorp Genetics (formerly Invitae), Labcorp
Classification: Uncertain significance. Last evaluated: 2023-07-10. Review status: criteria provided, single submitter. Criteria: Invitae Variant Classification Sherloc (09022015). Collection method: clinical testing. Allele origin: germline.
Comment: This sequence change replaces glutamic acid, which is acidic and polar, with glutamine, which is neutral and polar, at codon 5 of the PPP1CB protein (p.Glu5Gln). This variant is present in population databases (no rsID available, gnomAD 0.008%). This variant has not been reported in the literature in individuals affected with PPP1CB-related conditions. An algorithm developed to predict the effect of missense changes on protein structure and function (PolyPhen-2) suggests that this variant is likely to be tolerated. In summary, the available evidence is currently insufficient to determine the role of this variant in disease. Therefore, it has been classified as a Variant of Uncertain Significance.

NM_002709.3(PPP1CB):c.13G>C (p.Glu5Gln)

Gene: PPP1CB (protein phosphatase 1 catalytic subunit beta; plus strand). Cytogenetic location: 2p23.2.
Variant type: single nucleotide variant.
Coding change: c.13G>C on transcript NM_002709.3 (MANE Select); coding-DNA position 13, G replaced by C.
Protein change: p.Glu5Gln; replaces glutamic acid 5 with glutamine.
Molecular consequence: missense variant.
Genome position (GRCh38, 1-based): chr2:28,752,137, G>C. VCF-style: chr2-28752137-G-C. GRCh37 (hg19) VCF-style: chr2-28975003-G-C.
Other names: c.13G>C, p.Glu5Gln (NM_206876.2); short protein forms E5Q.
Identifiers: ClinVar variation 3008187 (VCV003008187.3), dbSNP rs1158082133, ClinGen allele CA346584339.
Genomic context (GRCh38, chr2:28,752,137, plus strand): 5'-GAGAAGCCCTTGTTCCCGCTGCTGGGAAGGAGAGTCTGTGCCGACAAGATGGCGGACGGG[G>C]AGCTGAACGTGGACAGCCTCATCACCCGGCTGCTGGAGGGTGAGTGCGCGCCTGGCCGCG-3'
Protein context (NP_002700.1, residues 1-15): MADG[Glu5Gln]LNVDSLITRL